The following is an entry in ClinVar:

NM_000030.3(AGXT):c.165+19_166-48dup

Gene: AGXT (alanine--glyoxylate aminotransferase; plus strand). Cytogenetic location: 2q37.3.
Variant type: Duplication.
Coding change: c.165+19_166-48dup on transcript NM_000030.3 (MANE Select); 19 bases into the intron after coding-DNA position 165 through 48 bases into the intron before coding-DNA position 166, 74 bases duplicated.
Molecular consequence: intron variant.
Genome position (GRCh38, 1-based): chr2:240,869,049-240,869,122, 74 bases duplicated. GRCh37 (hg19): chr2:241,808,466-241,808,539.
Identifiers: ClinVar variation 204024 (VCV000204024.2), dbSNP rs180177174, ClinGen allele CA275557.

ClinVar aggregate classification (germline): Likely benign. Review status: criteria provided, single submitter (1 of 4 stars). 2 submissions from 2 submitters: Likely benign (1). 1 of the submissions does not count toward it. Last evaluated 2017-07-11.

Conditions:
Primary hyperoxaluria, type I (HP1). Also called: GLYCOLIC ACIDURIA; HEPATIC AGT DEFICIENCY; OXALOSIS I; Primary hyperoxaluria type 1. Identifiers: Orphanet 416, Orphanet 93598, MedGen C0268164, MONDO:0009823, OMIM 259900. Disease mechanism: loss of function.

Submissions (2):

Women's Health and Genetics/Laboratory Corporation of America, LabCorp
Classification: Likely benign. Last evaluated: 2017-07-11. Review status: criteria provided, single submitter. Criteria: LabCorp Variant Classification Summary - May 2015. Collection method: clinical testing. Allele origin: germline.
Comment: Variant summary: The AGXT c.165+19_165+92dup74 variant involves the duplication of 74 nucleotides in the first intron of the AGXT gene. 5/5 splice prediction tools predict no significant impact on the splice donor site. This variant was found in 4/221932 control chromosomes from gnomAD at a frequency of 0.00001802, however this frequency may not be accurate since a duplication of this size may not be captured properly by gnomAD/ExAC and similar overlapping duplications are present at low frequencies. This variant is widely reported as a polymorphism found in general population in literature and generally forms a haplotype with other two polymorphisms P11L and I340M (Purdue_1991, Coulter-Mackie_2003, Wang_2016). Its reported allele frequencies in multiple ethnic backgrounds from publications are 6.5% in European controls (Purdue_1991), 9% in South African controls (Coulter-Mackie_2003) and 3% in Chinese controls (Wang_2016), however, all control cohorts in these studies are small with less than or equal to 200 control chromosomes. This variant or its haplotypic form has been reported in the same chromosome (in cis) with known pathogenic or likely pathogenic variants, such as G170R, A112D, and R333X (Coulter-Mackie_2003, Wang_2016), further supporting benign outcome. In addition, this variant is unlikely to affect splicing because stable AGT mRNA produced was derived from the haplotype comprising this variant, p.Pro11Leu and p.Ile340Met (Purdue_1991). Taken together, this variant is classified likely benign.

Clinical Biochemistry Laboratory, Health Services Laboratory
Classification: Uncertain significance for Primary hyperoxaluria, type I. Last evaluated: 2014-11-27. Review status: no assertion criteria provided. Collection method: research. Allele origin: germline. Affected: yes. Not counted in ClinVar's aggregate classification.

Literature cited by the submitters: PubMed 1879825 (cited by Women's Health and Genetics/Laboratory Corporation of America, LabCorp and Clinical Biochemistry Laboratory, Health Services Laboratory); PubMed 12559847 (cited by Women's Health and Genetics/Laboratory Corporation of America, LabCorp); PubMed 11562405 (cited by Women's Health and Genetics/Laboratory Corporation of America, LabCorp); PubMed 27644547 (cited by Women's Health and Genetics/Laboratory Corporation of America, LabCorp); PubMed 19479957 (cited by Women's Health and Genetics/Laboratory Corporation of America, LabCorp).